The following is an entry in ClinVar:

ClinVar aggregate classification (germline): Conflicting classifications of pathogenicity. Review status: criteria provided, conflicting classifications (1 of 4 stars). 4 submissions from 4 submitters: Uncertain significance (1); Likely benign (2). 1 of the submissions does not count toward it. Last evaluated 2026-01-28.

Conditions:
CCDC88C-related disorder. Also called: CCDC88C-Related Disorders; CCDC88C-related condition.

Allele frequency attached by ClinVar (database versions not stated): gnomAD exomes 0.00031 and 0.00055; ExAC 0.00089; TOPMed 0.00209; gnomAD 0.00216 and 0.00200; ESP Exome Variant Server 0.00248; 1000 Genomes Project 30x 0.00156; 1000 Genomes Project 0.00160.
gnomAD v4.1: 744 of 1,571,570 alleles (0.047%); highest among the groups gnomAD compares: African/African-American, 0.64%; 4 homozygotes.

Submissions (4):

Labcorp Genetics (formerly Invitae), Labcorp
Classification: Likely benign. Last evaluated: 2026-01-28. Review status: criteria provided, single submitter. Criteria: Invitae Variant Classification Sherloc (09022015). Collection method: clinical testing. Allele origin: germline.

Mayo Clinic Laboratories, Mayo Clinic
Classification: Likely benign. Last evaluated: 2025-06-11. Review status: criteria provided, single submitter. Criteria: ACMG Guidelines, 2015. Collection method: clinical testing. Allele origin: germline. Observed: 2 variant alleles.
Comment: BS1, BP4

Eurofins Ntd Llc (ga)
Classification: Uncertain significance. Last evaluated: 2017-01-24. Review status: criteria provided, single submitter. Criteria: EGL Classification Definitions 2015. Collection method: clinical testing. Allele origin: germline. Observed: 1 variant allele, 1 heterozygote.

PreventionGenetics, part of Exact Sciences
Classification: Likely benign for CCDC88C-related condition. Last evaluated: 2019-09-17. Review status: no assertion criteria provided. Collection method: clinical testing. Allele origin: germline. Not counted in ClinVar's aggregate classification.
Comment: This variant is classified as likely benign based on ACMG/AMP sequence variant interpretation guidelines (Richards et al. 2015 PMID: 25741868, with internal and published modifications).

NM_001080414.4(CCDC88C):c.5242G>A (p.Gly1748Arg)

Gene: CCDC88C (coiled-coil and HOOK domain protein 88C; minus strand). Cytogenetic location: 14q32.11.
Variant type: single nucleotide variant.
Coding change: c.5242G>A on transcript NM_001080414.4 (MANE Select); coding-DNA position 5242, G replaced by A.
Protein change: p.Gly1748Arg; replaces glycine 1748 with arginine.
Molecular consequence: missense variant.
Genome position (GRCh38, 1-based): chr14:91,273,470, C>T on the plus strand (G>A on the coding strand, the complement: CCDC88C is on the minus strand). VCF-style: chr14-91273470-C-T. GRCh37 (hg19) VCF-style: chr14-91739814-C-T.
Other names: p.Gly1748Arg; short protein forms G1748R.
Identifiers: ClinVar variation 496944 (VCV000496944.16), dbSNP rs200543687, ClinGen allele CA7308690.
Genomic context (GRCh38, chr14:91,273,470, plus strand): 5'-GGGCCACGCTGGGTGGGGCCTCGGCCTCAGTCAGTCTGAAGTTTGGCTTTACGTACTGCC[C>T]GGGCTTCAGCGGCCTCCCCTCCGAGGTGGGGGCGGCCATTTTGACGGTGGGGGCCACAAA-3'
Protein context (NP_001073883.2, residues 1738-1758): PTSEGRPLKP[Gly1748Arg]QYVKPNFRLT